The following is an entry in ClinVar:

NM_006389.5(HYOU1):c.83C>G (p.Ala28Gly)

Gene: HYOU1 (hypoxia up-regulated 1; minus strand). Cytogenetic location: 11q23.3.
Variant type: single nucleotide variant.
Coding change: c.83C>G on transcript NM_006389.5 (MANE Select); coding-DNA position 83, C replaced by G.
Protein change: p.Ala28Gly; replaces alanine 28 with glycine.
Molecular consequence: missense variant.
Genome position (GRCh38, 1-based): chr11:119,056,078, G>C on the plus strand (C>G on the coding strand, the complement: HYOU1 is on the minus strand). VCF-style: chr11-119056078-G-C.
Other names: c.83C>G, p.Ala28Gly (NM_001130991.3, NM_001411041.1); short protein forms A28G.
Identifiers: ClinVar variation 3527304 (VCV003527304.1), dbSNP rs2497215191, ClinGen allele CA382955107.

ClinVar aggregate classification (germline): Uncertain significance. Review status: criteria provided, multiple submitters, no conflicts (2 of 4 stars). 2 submissions from 2 submitters: Uncertain significance (2). Last evaluated 2024-10-24.

Submissions (2):

Ambry Genetics
Classification: Uncertain significance. Last evaluated: 2024-10-24. Review status: criteria provided, single submitter. Criteria: Ambry Variant Classification Scheme 2023. Collection method: clinical testing. Allele origin: germline.

Labcorp Genetics (formerly Invitae), Labcorp
Classification: Uncertain significance. Last evaluated: 2023-08-27. Review status: criteria provided, single submitter. Criteria: Invitae Variant Classification Sherloc (09022015). Collection method: clinical testing. Allele origin: germline.
Comment: This sequence change replaces alanine, which is neutral and non-polar, with glycine, which is neutral and non-polar, at codon 28 of the HYOU1 protein (p.Ala28Gly). This variant is not present in population databases (gnomAD no frequency). This variant has not been reported in the literature in individuals affected with HYOU1-related conditions. An algorithm developed to predict the effect of missense changes on protein structure and function (PolyPhen-2) suggests that this variant is likely to be tolerated. In summary, the available evidence is currently insufficient to determine the role of this variant in disease. Therefore, it has been classified as a Variant of Uncertain Significance.